The following is an entry in ClinVar:

ClinVar aggregate classification (germline): Pathogenic. Review status: criteria provided, multiple submitters, no conflicts (2 of 4 stars). 2 submissions from 2 submitters: Pathogenic (2). Last evaluated 2025-07-23.

Conditions:
Hereditary cancer-predisposing syndrome. Also called: Hereditary neoplastic syndrome; Neoplastic Syndromes, Hereditary; Tumor predisposition; Hereditary Cancer Syndrome. Identifiers: Orphanet 140162, MedGen C0027672, MeSH D009386, MONDO:0015356.
Ataxia-telangiectasia syndrome (AT). Also called: LOUIS-BAR SYNDROME; Cerebello-oculocutaneous telangiectasia; Immunodeficiency with ataxia telangiectasia; AT, COMPLEMENTATION GROUP C; Ataxia-telangiectasia, complementation group D; ATAXIA-TELANGIECTASIA, COMPLEMENTATION GROUP A. Identifiers: Orphanet 100, MedGen C0004135, MONDO:0008840, OMIM 208900.

Submissions (2):

Labcorp Genetics (formerly Invitae), Labcorp
Classification: Pathogenic for Ataxia-telangiectasia syndrome. Last evaluated: 2025-07-23. Review status: criteria provided, single submitter. Criteria: Invitae Variant Classification Sherloc (09022015). Collection method: clinical testing. Allele origin: germline.
Comment: This sequence change creates a premature translational stop signal (p.Lys1151*) in the ATM gene. It is expected to result in an absent or disrupted protein product. Loss-of-function variants in ATM are known to be pathogenic (PMID: 23807571, 25614872). This variant is not present in population databases (gnomAD no frequency). This premature translational stop signal has been observed in individual(s) with ATM-related conditions (PMID: 35441217). ClinVar contains an entry for this variant (Variation ID: 482753). Algorithms developed to predict the effect of sequence changes on RNA splicing suggest that this variant may disrupt the consensus splice site. For these reasons, this variant has been classified as Pathogenic.

Ambry Genetics
Classification: Pathogenic for Hereditary cancer-predisposing syndrome. Last evaluated: 2017-09-01. Review status: criteria provided, single submitter. Criteria: Ambry Variant Classification Scheme 2023. Collection method: clinical testing. Allele origin: germline.
Comment: The p.K1151* pathogenic mutation (also known as c.3451A>T), located in coding exon 23 of the ATM gene, results from an A to T substitution at nucleotide position 3451. This changes the amino acid from a lysine to a stop codon within coding exon 23. This alteration is expected to result in loss of function by premature protein truncation or nonsense-mediated mRNA decay. As such, this alteration is interpreted as a disease-causing mutation.

Literature cited by the submitters: PubMed 23807571 (cited by Labcorp Genetics (formerly Invitae), Labcorp); PubMed 25614872 (cited by Labcorp Genetics (formerly Invitae), Labcorp); PubMed 35441217 (cited by Labcorp Genetics (formerly Invitae), Labcorp).

NM_000051.4(ATM):c.3451A>T (p.Lys1151Ter)

Gene: ATM (ATM serine/threonine kinase; plus strand). Cytogenetic location: 11q22.3.
Variant type: single nucleotide variant.
Coding change: c.3451A>T on transcript NM_000051.4 (MANE Select); coding-DNA position 3451, A replaced by T.
Protein change: p.Lys1151Ter; replaces lysine 1151 with a stop codon.
Molecular consequence: nonsense.
Genome position (GRCh38, 1-based): chr11:108,281,043, A>T. VCF-style: chr11-108281043-A-T. GRCh37 (hg19) VCF-style: chr11-108151770-A-T.
Other names: c.3451A>T, p.Lys1151Ter (NM_001351834.2); short protein forms K1151*.
Identifiers: ClinVar variation 482753 (VCV000482753.7), dbSNP rs1555091196, ClinGen allele CA382519325.